The following is an entry in ClinVar:

NM_001375524.1(TRRAP):c.6528G>A (p.Thr2176=)

Gene: TRRAP (transformation/transcription domain associated protein; plus strand). Cytogenetic location: 7q22.1.
Variant type: single nucleotide variant.
Coding change: c.6528G>A on transcript NM_001375524.1 (MANE Select); coding-DNA position 6528, G replaced by A.
Protein change: p.Thr2176=; no amino-acid change (threonine 2176 retained).
Molecular consequence: synonymous variant.
Genome position (GRCh38, 1-based): chr7:98,961,299, G>A. VCF-style: chr7-98961299-G-A. GRCh37 (hg19) VCF-style: chr7-98558922-G-A.
Other names: c.6507G>A, p.Thr2169= (NM_001244580.2); c.6453G>A, p.Thr2151= (NM_003496.4).
Identifiers: ClinVar variation 712664 (VCV000712664.13), dbSNP rs34983214, ClinGen allele CA4360903.

ClinVar aggregate classification (germline): Benign. Review status: criteria provided, multiple submitters, no conflicts (2 of 4 stars). 3 submissions from 3 submitters: Benign (2). 1 of the submissions does not count toward it. Last evaluated 2026-01-26.

Conditions:
TRRAP-related disorder. Also called: TRRAP-related condition.

Allele frequency attached by ClinVar (database versions not stated): gnomAD exomes 0.00082 and 0.00181; ExAC 0.00201; gnomAD 0.00604 and 0.00649; ESP Exome Variant Server 0.00615; 1000 Genomes Project 0.00639; 1000 Genomes Project 30x 0.00656; TOPMed 0.00690.
gnomAD v4.1: 2,165 of 1,614,148 alleles (0.13%); highest among the groups gnomAD compares: African/African-American, 2.1%; 24 homozygotes.

Submissions (3):

Labcorp Genetics (formerly Invitae), Labcorp
Classification: Benign. Last evaluated: 2026-01-26. Review status: criteria provided, single submitter. Criteria: Invitae Variant Classification Sherloc (09022015). Collection method: clinical testing. Allele origin: germline.

Breakthrough Genomics
Classification: Benign. Review status: criteria provided, single submitter. Criteria: ACMG Guidelines, 2015. Collection method: not provided. Allele origin: germline. Inheritance: Autosomal dominant inheritance. Affected: yes.

PreventionGenetics, part of Exact Sciences
Classification: Benign for TRRAP-related condition. Last evaluated: 2021-04-08. Review status: no assertion criteria provided. Collection method: clinical testing. Allele origin: germline. Not counted in ClinVar's aggregate classification.
Comment: This variant is classified as benign based on ACMG/AMP sequence variant interpretation guidelines (Richards et al. 2015 PMID: 25741868, with internal and published modifications).